The following is an entry in ClinVar:

ClinVar aggregate classification (germline): Uncertain significance. Review status: criteria provided, multiple submitters, no conflicts (2 of 4 stars). 4 submissions from 4 submitters: Uncertain significance (2). 2 of the submissions do not count toward it. Last evaluated 2022-01-11.

Allele frequency attached by ClinVar (database versions not stated): gnomAD 0.00065; ExAC 0.00497.

Submissions (4):

Women's Health and Genetics/Laboratory Corporation of America, LabCorp
Classification: Uncertain significance. Last evaluated: 2022-01-11. Review status: criteria provided, single submitter. Criteria: LabCorp Variant Classification Summary - May 2015. Collection method: clinical testing. Allele origin: germline.
Comment: Variant summary: AK2 c.614G>A (p.Gly205Glu) results in a non-conservative amino acid change in the encoded protein sequence. Five of five in-silico tools predict a damaging effect of the variant on protein function. The variant allele was found at a frequency of 1.2e-05 in 250084 control chromosomes. The available data on variant occurrences in the general population are insufficient to allow any conclusion about variant significance. c.614G>A has been reported in the literature in individuals affected with combined immunodeficiency with alternative explanation of disease (Roussel_2018). This report does not provide unequivocal conclusions about association of the variant with Severe Combined Immunodeficiency. To our knowledge, no experimental evidence demonstrating an impact on protein function has been reported. No clinical diagnostic laboratories have submitted clinical-significance assessments for this variant to ClinVar after 2014. Based on the evidence outlined above, the variant was classified as uncertain significance.

Breakthrough Genomics
Classification: Uncertain significance. Review status: criteria provided, single submitter. Criteria: ACMG Guidelines, 2015. Collection method: not provided. Allele origin: germline. Inheritance: Autosomal recessive inheritance. Affected: yes.

Clinical Genetics DNA and cytogenetics Diagnostics Lab, Erasmus MC, Erasmus Medical Center
Classification: Benign. Review status: no assertion criteria provided. Collection method: clinical testing. Allele origin: germline. Affected: yes. Study: VKGL Data-share Consensus. Not counted in ClinVar's aggregate classification.

Laboratory of Diagnostic Genome Analysis, Leiden University Medical Center (LUMC)
Classification: Likely benign. Review status: no assertion criteria provided. Collection method: clinical testing. Allele origin: germline. Affected: yes. Study: VKGL Data-share Consensus. Not counted in ClinVar's aggregate classification.

Literature cited by the submitters: PubMed 31562900 (cited by Women's Health and Genetics/Laboratory Corporation of America, LabCorp); PubMed 30498080 (cited by Women's Health and Genetics/Laboratory Corporation of America, LabCorp).

NM_001625.4(AK2):c.614G>A (p.Gly205Glu)

Gene: AK2 (adenylate kinase 2; minus strand). Cytogenetic location: 1p35.1.
Variant type: single nucleotide variant.
Coding change: c.614G>A on transcript NM_001625.4 (MANE Select); coding-DNA position 614, G replaced by A.
Protein change: p.Gly205Glu; replaces glycine 205 with glutamic acid.
Molecular consequence: missense variant. On other transcripts: 3 prime UTR variant (1), non-coding transcript variant (1).
Genome position (GRCh38, 1-based): chr1:33,013,287, C>T on the plus strand (G>A on the coding strand, the complement: AK2 is on the minus strand). VCF-style: chr1-33013287-C-T. GRCh37 (hg19) VCF-style: chr1-33478888-C-T.
Other names: c.590G>A, p.Gly197Glu (NM_001199199.3); c.470G>A, p.Gly157Glu (NM_001319139.3, NM_001319140.2); c.614G>A, p.Gly205Glu (NM_001319141.3, NM_013411.5); c.488G>A, p.Gly163Glu (NM_001319142.3); c.*117G>A (NM_001319143.2); short protein forms G157E, G163E, G197E, G205E.
Identifiers: ClinVar variation 1205943 (VCV001205943.4), dbSNP rs202182972, ClinGen allele CA747056.